The following is an entry in ClinVar:

ClinVar aggregate classification (germline): Likely benign. Review status: criteria provided, single submitter (1 of 4 stars). 2 submissions from 2 submitters: Likely benign (1). 1 of the submissions does not count toward it. Last evaluated 2025-05-15.

Conditions:
KANK4-related disorder. Also called: KANK4-related condition.

Allele frequency attached by ClinVar (database versions not stated): ExAC 0.00015.
gnomAD v4.1: 94 of 1,613,674 alleles (0.0058%); highest among the groups gnomAD compares: South Asian, 0.071%; no homozygotes.

Submissions (2):

Labcorp Genetics (formerly Invitae), Labcorp
Classification: Likely benign. Last evaluated: 2025-05-15. Review status: criteria provided, single submitter. Criteria: Invitae Variant Classification Sherloc (09022015). Collection method: clinical testing. Allele origin: germline.

PreventionGenetics, part of Exact Sciences
Classification: Likely benign for KANK4-related condition. Last evaluated: 2019-08-09. Review status: no assertion criteria provided. Collection method: clinical testing. Allele origin: germline. Not counted in ClinVar's aggregate classification.
Comment: This variant is classified as likely benign based on ACMG/AMP sequence variant interpretation guidelines (Richards et al. 2015 PMID: 25741868, with internal and published modifications).

NM_181712.5(KANK4):c.2079C>T (p.Ser693=)

Gene: KANK4 (KN motif and ankyrin repeat domains 4; minus strand). Cytogenetic location: 1p31.3.
Variant type: single nucleotide variant.
Coding change: c.2079C>T on transcript NM_181712.5 (MANE Select); coding-DNA position 2079, C replaced by T.
Protein change: p.Ser693=; no amino-acid change (serine 693 retained).
Molecular consequence: synonymous variant.
Genome position (GRCh38, 1-based): chr1:62,268,439, G>A on the plus strand (C>T on the coding strand, the complement: KANK4 is on the minus strand). VCF-style: chr1-62268439-G-A. GRCh37 (hg19) VCF-style: chr1-62734111-G-A.
Other names: c.195C>T, p.Ser65= (NM_001320269.2).
Identifiers: ClinVar variation 3055716 (VCV003055716.3), dbSNP rs200309306, ClinGen allele CA884217.